The following is an entry in ClinVar:

NM_033026.6(PCLO):c.7583A>G (p.Asp2528Gly)

Gene: PCLO (piccolo presynaptic cytomatrix protein; minus strand). Cytogenetic location: 7q21.11.
Variant type: single nucleotide variant.
Coding change: c.7583A>G on transcript NM_033026.6 (MANE Select); coding-DNA position 7583, A replaced by G.
Protein change: p.Asp2528Gly; replaces aspartic acid 2528 with glycine.
Molecular consequence: missense variant.
Genome position (GRCh38, 1-based): chr7:82,953,370, T>C on the plus strand (A>G on the coding strand, the complement: PCLO is on the minus strand). VCF-style: chr7-82953370-T-C. GRCh37 (hg19) VCF-style: chr7-82582686-T-C.
Other names: c.7583A>G, p.Asp2528Gly (NM_014510.3); short protein forms D2528G.
Identifiers: ClinVar variation 1365812 (VCV001365812.6), dbSNP rs1214461282, ClinGen allele CA367916657.
Genomic context (GRCh38, chr7:82,953,370, plus strand): 5'-GTCACTAAATTTAAGGTCATACTTGAAGTTAAAGATAGGCCTGTTGGTTTGGGGTGTATA[T>C]CTGTTGGTTTTTGTGTAGTTGTTGGAAGCTGAGGAATCACTGGTTTGGGGGCGATTGGAG-3'
Protein context (NP_149015.2, residues 2518-2538): QLPTTTQKPT[Asp2528Gly]IHPKPTGLSL

ClinVar aggregate classification (germline): Uncertain significance (1 of 4 stars; one submission).

Allele frequency attached by ClinVar (database versions not stated): gnomAD exomes 0.00001.
gnomAD v4.1: 3 of 1,613,700 alleles (0.00019%); highest among the groups gnomAD compares: Non-Finnish European, 0.00025%; no homozygotes.

Submission:

Labcorp Genetics (formerly Invitae), Labcorp
Classification: Uncertain significance. Last evaluated: 2022-11-28. Review status: criteria provided, single submitter. Criteria: Invitae Variant Classification Sherloc (09022015). Collection method: clinical testing. Allele origin: germline.
Comment: This variant is not present in population databases (gnomAD no frequency). In summary, the available evidence is currently insufficient to determine the role of this variant in disease. Therefore, it has been classified as a Variant of Uncertain Significance. Algorithms developed to predict the effect of missense changes on protein structure and function are either unavailable or do not agree on the potential impact of this missense change (SIFT: "Tolerated"; PolyPhen-2: "Not Available"; Align-GVGD: "Class C0"). ClinVar contains an entry for this variant (Variation ID: 1365812). This variant has not been reported in the literature in individuals affected with PCLO-related conditions. This sequence change replaces aspartic acid, which is acidic and polar, with glycine, which is neutral and non-polar, at codon 2528 of the PCLO protein (p.Asp2528Gly).